The following is an entry in ClinVar:

ClinVar aggregate classification (germline): Uncertain significance (1 of 4 stars; one submission).

Allele frequency attached by ClinVar (database versions not stated): gnomAD 0.00001.
gnomAD v4.1: 3 of 1,613,242 alleles (0.00019%); highest among the groups gnomAD compares: East Asian, 0.0022%; no homozygotes.

Submission:

Labcorp Genetics (formerly Invitae), Labcorp
Classification: Uncertain significance. Last evaluated: 2025-07-22. Review status: criteria provided, single submitter. Criteria: Invitae Variant Classification Sherloc (09022015). Collection method: clinical testing. Allele origin: germline.
Comment: This sequence change replaces leucine, which is neutral and non-polar, with valine, which is neutral and non-polar, at codon 1173 of the ERBB2 protein (p.Leu1173Val). This variant is not present in population databases (gnomAD no frequency). This variant has not been reported in the literature in individuals affected with ERBB2-related conditions. ClinVar contains an entry for this variant (Variation ID: 857974). An algorithm developed to predict the effect of missense changes on protein structure and function (PolyPhen-2) suggests that this variant is likely to be tolerated. In summary, the available evidence is currently insufficient to determine the role of this variant in disease. Therefore, it has been classified as a Variant of Uncertain Significance.

NM_004448.4(ERBB2):c.3517C>G (p.Leu1173Val)

Gene: ERBB2 (erb-b2 receptor tyrosine kinase 2; plus strand). Cytogenetic location: 17q12.
Variant type: single nucleotide variant.
Coding change: c.3517C>G on transcript NM_004448.4 (MANE Select); coding-DNA position 3517, C replaced by G.
Protein change: p.Leu1173Val; replaces leucine 1173 with valine.
Molecular consequence: missense variant. On other transcripts: 3 prime UTR variant (2), non-coding transcript variant (1).
Genome position (GRCh38, 1-based): chr17:39,727,793, C>G. VCF-style: chr17-39727793-C-G. GRCh37 (hg19) VCF-style: chr17-37884046-C-G.
Other names: c.3427C>G, p.Leu1143Val (NM_001005862.3, NM_001382782.1, NM_001382783.1); c.3472C>G, p.Leu1158Val (NM_001289936.2); c.*96C>G (NM_001289937.2, NM_001382803.1); c.3634C>G, p.Leu1212Val (NM_001382784.1); c.3619C>G, p.Leu1207Val (NM_001382785.1); c.3598C>G, p.Leu1200Val (NM_001382786.1); c.3592C>G, p.Leu1198Val (NM_001382787.1); c.3547C>G, p.Leu1183Val (NM_001382788.1); and 16 more; short protein forms L1173V, L1143V, L1158V, L1087V, L1105V, L1111V, L1113V, L1121V.
Identifiers: ClinVar variation 857974 (VCV000857974.7), dbSNP rs1455904690, ClinGen allele CA399313263.